The following is an entry in ClinVar:

NM_005560.6(LAMA5):c.3390C>T (p.Thr1130=)

Gene: LAMA5 (laminin subunit alpha 5; minus strand). Cytogenetic location: 20q13.33.
Variant type: single nucleotide variant.
Coding change: c.3390C>T on transcript NM_005560.6 (MANE Select); coding-DNA position 3390, C replaced by T.
Protein change: p.Thr1130=; no amino-acid change (threonine 1130 retained).
Molecular consequence: synonymous variant.
Genome position (GRCh38, 1-based): chr20:62,332,610, G>A on the plus strand (C>T on the coding strand, the complement: LAMA5 is on the minus strand). VCF-style: chr20-62332610-G-A. GRCh37 (hg19) VCF-style: chr20-60907666-G-A.
Identifiers: ClinVar variation 2652488 (VCV002652488.24), dbSNP rs2146199531, ClinGen allele CA511132220.

ClinVar aggregate classification (germline): Likely benign (1 of 4 stars; one submission).

Submission:

CeGaT Center for Human Genetics Tuebingen
Classification: Likely benign. Last evaluated: 2023-01-01. Review status: criteria provided, single submitter. Criteria: CeGaT Center For Human Genetics Tuebingen Variant Classification Criteria Version 2. Collection method: clinical testing. Allele origin: germline. Affected: yes. Observed: 1 variant allele.
Comment: LAMA5: PM2:Supporting, BP4, BP7